The following is an entry in ClinVar:

ClinVar aggregate classification (germline): Uncertain significance (1 of 4 stars; one submission).

Conditions:
Developmental and epileptic encephalopathy, 44 (DEE44). Also called: Epileptic encephalopathy, early infantile, 44. Identifiers: MedGen C4310700, MONDO:0014933, OMIM 617132.
Spinocerebellar ataxia, autosomal recessive 24 (SCAR24). Identifiers: MedGen C4310699, MONDO:0014934, OMIM 617133.

gnomAD v4.1: 4 of 1,613,506 alleles (0.00025%); highest among the groups gnomAD compares: East Asian, 0.0067%; no homozygotes.

Submission:

Juno Genomics, Hangzhou Juno Genomics, Inc
Classification: Uncertain significance for Spinocerebellar ataxia, autosomal recessive 24; Developmental and epileptic encephalopathy, 44. Review status: criteria provided, single submitter. Criteria: ACMG Guidelines, 2015. Collection method: clinical testing. Allele origin: germline. Affected: yes.
Comment: Absent from controls (or at extremely low frequency if recessive) in Genome Aggregation Database, Exome Sequencing Project, 1000 Genomes Project, or Exome Aggregation Consortium.;Patient's phenotype or family history is highly specific for a disease with a single genetic etiology.;For recessive disorders, detected in trans with a pathogenic variant.

NM_024818.6(UBA5):c.692C>T (p.Pro231Leu)

Genes: NPHP3-ACAD11 (NPHP3-ACAD11 readthrough (NMD candidate); minus strand), UBA5 (ubiquitin like modifier activating enzyme 5; plus strand). Cytogenetic location: 3q22.1.
Variant type: single nucleotide variant.
Coding change: c.692C>T on transcript NM_024818.6 (MANE Select); coding-DNA position 692, C replaced by T.
Protein change: p.Pro231Leu; replaces proline 231 with leucine.
Molecular consequence: missense variant.
Genome position (GRCh38, 1-based): chr3:132,672,057, C>T. VCF-style: chr3-132672057-C-T. GRCh37 (hg19) VCF-style: chr3-132390901-C-T.
Other names: c.524C>T, p.Pro175Leu (NM_001320210.2, NM_198329.4); c.422C>T, p.Pro141Leu (NM_001321238.2); c.356C>T, p.Pro119Leu (NM_001321239.1); short protein forms P119L, P141L, P175L, P231L.
Identifiers: ClinVar variation 3382847 (VCV003382847.2).
Genomic context (GRCh38, chr3:132,672,057, plus strand): 5'-ACATCTCATACTTTTTCTCTTTTTTTTTGAAATGTGTTTTATTTTTCATGTAGTGTGCTC[C>T]ACCACTTGTAGTTGCTGCAAATATTGATGAAAAGACTCTGAAACGAGAAGGTGTTTGTGC-3'
Protein context (NP_079094.1, residues 221-241): PGESACFACA[Pro231Leu]PLVVAANIDE